The following is an entry in ClinVar:

NM_002693.3(POLG):c.3536T>G (p.Phe1179Cys)

Gene: POLG (DNA polymerase gamma, catalytic subunit; minus strand). Cytogenetic location: 15q26.1.
Variant type: single nucleotide variant.
Coding change: c.3536T>G on transcript NM_002693.3 (MANE Select); coding-DNA position 3536, T replaced by G.
Protein change: p.Phe1179Cys; replaces phenylalanine 1179 with cysteine.
Molecular consequence: missense variant.
Genome position (GRCh38, 1-based): chr15:89,317,483, A>C on the plus strand (T>G on the coding strand, the complement: POLG is on the minus strand). VCF-style: chr15-89317483-A-C. GRCh37 (hg19) VCF-style: chr15-89860714-A-C.
Other names: c.3536T>G, p.Phe1179Cys (NM_001126131.2); short protein forms F1179C.
Identifiers: ClinVar variation 2645685 (VCV002645685.26), dbSNP rs2152056543, ClinGen allele CA393747785.

ClinVar aggregate classification (germline): Uncertain significance. Review status: criteria provided, multiple submitters, no conflicts (2 of 4 stars). 2 submissions from 2 submitters: Uncertain significance (2). Last evaluated 2025-01-29.

Conditions:
Progressive sclerosing poliodystrophy (MTDPS4A). Also called: ALPERS PROGRESSIVE INFANTILE POLIODYSTROPHY; NEURONAL DEGENERATION OF CHILDHOOD WITH LIVER DISEASE, PROGRESSIVE; Alpers Syndrome; ALPERS DIFFUSE DEGENERATION OF CEREBRAL GRAY MATTER WITH HEPATIC CIRRHOSIS; Alpers-Huttenlocher Syndrome; Mitochondrial DNA depletion syndrome 4A (Alpers type). Identifiers: Orphanet 726, MedGen C0205710, MONDO:0008758, OMIM 203700.

Submissions (2):

Labcorp Genetics (formerly Invitae), Labcorp
Classification: Uncertain significance for Progressive sclerosing poliodystrophy. Last evaluated: 2025-01-29. Review status: criteria provided, single submitter. Criteria: Invitae Variant Classification Sherloc (09022015). Collection method: clinical testing. Allele origin: germline.
Comment: This sequence change replaces phenylalanine, which is neutral and non-polar, with cysteine, which is neutral and slightly polar, at codon 1179 of the POLG protein (p.Phe1179Cys). This variant is not present in population databases (gnomAD no frequency). This variant has not been reported in the literature in individuals affected with POLG-related conditions. ClinVar contains an entry for this variant (Variation ID: 2645685). Invitae Evidence Modeling of protein sequence and biophysical properties (such as structural, functional, and spatial information, amino acid conservation, physicochemical variation, residue mobility, and thermodynamic stability) indicates that this missense variant is expected to disrupt POLG protein function with a positive predictive value of 95%. In summary, the available evidence is currently insufficient to determine the role of this variant in disease. Therefore, it has been classified as a Variant of Uncertain Significance.

CeGaT Center for Human Genetics Tuebingen
Classification: Uncertain significance. Last evaluated: 2022-10-01. Review status: criteria provided, single submitter. Criteria: CeGaT Center For Human Genetics Tuebingen Variant Classification Criteria Version 2. Collection method: clinical testing. Allele origin: germline. Affected: yes. Observed: 1 variant allele.
Comment: POLG: PM2